The following is an entry in ClinVar:

NC_000014.9:g.106235357C>G

Genes: IGH (immunoglobulin heavy locus; minus strand), IGHV3-21 (immunoglobulin heavy variable 3-21; minus strand). Cytogenetic location: 14q32.33.
Variant type: single nucleotide variant.
Genome position: GRCh38 VCF-style: chr14-106235357-C-G. GRCh37 (hg19) VCF-style: chr14-106691966-C-G.
Identifiers: ClinVar variation 2644931 (VCV002644931.23), dbSNP rs201752172, ClinGen allele CA266613227.
Genomic context (GRCh38, chr14:106,235,357, plus strand): 5'-AGAGTCTCAGGGACCCCCCAGGCTTGACCAGGCCTCCCCCAGACTCCACCAGCTGCACCT[C>G]ACACTGGACACCTGCAAACAGAGAGACATTGGTCAGAAACTGTCACACACATCCACCGTT-3'

ClinVar aggregate classification (germline): Likely benign (1 of 4 stars; one submission).

Allele frequency attached by ClinVar (database versions not stated): 1000 Genomes Project 0.00060; 1000 Genomes Project 30x 0.00062.

Submission:

CeGaT Center for Human Genetics Tuebingen
Classification: Likely benign. Last evaluated: 2022-12-01. Review status: criteria provided, single submitter. Criteria: CeGaT Center For Human Genetics Tuebingen Variant Classification Criteria Version 2. Collection method: clinical testing. Allele origin: germline. Affected: yes. Observed: 1 variant allele.
Comment: ENSG00000289598: BS2